The following is an entry in ClinVar:

ClinVar aggregate classification (germline): Uncertain significance (1 of 4 stars; one submission).

Allele frequency attached by ClinVar (database versions not stated): ExAC 0.00001; gnomAD exomes 0.00001.
gnomAD v4.1: 3 of 1,612,912 alleles (0.00019%); highest among the groups gnomAD compares: Admixed American, 0.005%; no homozygotes.

Submission:

Labcorp Genetics (formerly Invitae), Labcorp
Classification: Uncertain significance. Last evaluated: 2022-03-29. Review status: criteria provided, single submitter. Criteria: Invitae Variant Classification Sherloc (09022015). Collection method: clinical testing. Allele origin: germline.
Comment: In summary, the available evidence is currently insufficient to determine the role of this variant in disease. Therefore, it has been classified as a Variant of Uncertain Significance. Algorithms developed to predict the effect of sequence changes on RNA splicing suggest that this variant may disrupt the consensus splice site. This variant has not been reported in the literature in individuals affected with RGS9-related conditions. This variant is present in population databases (rs759747088, gnomAD 0.006%). This sequence change falls in intron 17 of the RGS9 gene. It does not directly change the encoded amino acid sequence of the RGS9 protein.

NM_003835.4(RGS9):c.1408-20T>G

Gene: RGS9 (regulator of G protein signaling 9; plus strand). Cytogenetic location: 17q24.1.
Variant type: single nucleotide variant.
Coding change: c.1408-20T>G on transcript NM_003835.4 (MANE Select); 20 bases into the intron before coding-DNA position 1408, T replaced by G.
Molecular consequence: intron variant.
Genome position (GRCh38, 1-based): chr17:65,224,982, T>G. VCF-style: chr17-65224982-T-G. GRCh37 (hg19) VCF-style: chr17-63221100-T-G.
Other names: c.1399-20T>G (NM_001081955.3).
Identifiers: ClinVar variation 2119168 (VCV002119168.4), dbSNP rs759747088, ClinGen allele CA8718048.